The following is an entry in ClinVar:

ClinVar aggregate classification (germline): Uncertain significance (1 of 4 stars; one submission).

Conditions:
Hypogonadotropic hypogonadism 2 with or without anosmia (HH2). Also called: HYPOGONADOTROPIC HYPOGONADISM 2 WITHOUT ANOSMIA; FGFR1-Related GnRH Deficiency (Kallmann Syndrome 2); HYPOGONADOTROPIC HYPOGONADISM 2 WITH OR WITHOUT ANOSMIA, SUSCEPTIBILITY TO; HYPOGONADOTROPIC HYPOGONADISM 2 WITHOUT ANOSMIA, SUSCEPTIBILITY TO. Identifiers: Orphanet 478, MedGen C1563720, MONDO:0007844, OMIM 147950. Disease mechanism: loss of function.
Pfeiffer syndrome (ACS5). Also called: ACS V. Identifiers: Orphanet 710, MedGen C0220658, MONDO:0007043, OMIM 101600.

gnomAD v4.1: 4 of 1,613,978 alleles (0.00025%); highest among the groups gnomAD compares: African/African-American, 0.0027%; no homozygotes.

Submission:

Labcorp Genetics (formerly Invitae), Labcorp
Classification: Uncertain significance for Pfeiffer syndrome; Hypogonadotropic hypogonadism 2 with or without anosmia. Last evaluated: 2025-02-25. Review status: criteria provided, single submitter. Criteria: Invitae Variant Classification Sherloc (09022015). Collection method: clinical testing. Allele origin: germline.
Comment: This sequence change replaces aspartic acid, which is acidic and polar, with asparagine, which is neutral and polar, at codon 320 of the FGFR1 protein (p.Asp320Asn). This variant is not present in population databases (gnomAD no frequency). This variant has not been reported in the literature in individuals affected with FGFR1-related conditions. Invitae Evidence Modeling of protein sequence and biophysical properties (such as structural, functional, and spatial information, amino acid conservation, physicochemical variation, residue mobility, and thermodynamic stability) has been performed for this missense variant. However, the output from this modeling did not meet the statistical confidence thresholds required to predict the impact of this variant on FGFR1 protein function. In summary, the available evidence is currently insufficient to determine the role of this variant in disease. Therefore, it has been classified as a Variant of Uncertain Significance.

NM_023110.3(FGFR1):c.958G>A (p.Asp320Asn)

Gene: FGFR1 (fibroblast growth factor receptor 1; minus strand). Cytogenetic location: 8p11.23.
Variant type: single nucleotide variant.
Coding change: c.958G>A on transcript NM_023110.3 (MANE Select); coding-DNA position 958, G replaced by A.
Protein change: p.Asp320Asn; replaces aspartic acid 320 with asparagine.
Molecular consequence: missense variant.
Genome position (GRCh38, 1-based): chr8:38,421,920, C>T on the plus strand (G>A on the coding strand, the complement: FGFR1 is on the minus strand). VCF-style: chr8-38421920-C-T. GRCh37 (hg19) VCF-style: chr8-38279438-C-T.
Other names: c.958G>A, p.Asp320Asn (NM_001174063.2); c.934G>A, p.Asp312Asn (NM_001174064.2); c.952G>A, p.Asp318Asn (NM_001174065.2, NM_001354367.2, NM_001354369.2 and 2 more transcripts); c.691G>A, p.Asp231Asn (NM_001174066.2, NM_023105.3); c.1051G>A, p.Asp351Asn (NM_001174067.2); c.685G>A, p.Asp229Asn (NM_001354368.2, NM_001354370.2, NM_023106.3); short protein forms D318N, D320N, D351N, D231N, D229N, D312N.
Identifiers: ClinVar variation 4788728 (VCV004788728.1).
Genomic context (GRCh38, chr8:38,421,920, plus strand): 5'-TATACTCCCCTGCGTCCTCAAAGGAGACATTTCTTAAGTGAAGCACCTCCATCTCTTTGT[C>T]GGTGGTATTAACTCCAGCAGTCTAGAAGAGACAACGGAAGCAAAATGGACAAGCACAGGA-3'
Protein context (NP_075598.2, residues 310-330): ILKTAGVNTT[Asp320Asn]KEMEVLHLRN